The following is an entry in ClinVar:

ClinVar aggregate classification (germline): Uncertain significance (1 of 4 stars; one submission).

Conditions:
Familial cold autoinflammatory syndrome 2 (FCAS2). Identifiers: Orphanet 247868, MedGen C2673198, MONDO:0012724, OMIM 611762.

Allele frequency attached by ClinVar (database versions not stated): gnomAD exomes 0.00002.
gnomAD v4.1: 27 of 1,614,132 alleles (0.0017%); highest among the groups gnomAD compares: Non-Finnish European, 0.0023%; no homozygotes.

Submission:

Labcorp Genetics (formerly Invitae), Labcorp
Classification: Uncertain significance for Familial cold autoinflammatory syndrome 2. Last evaluated: 2019-11-05. Review status: criteria provided, single submitter. Criteria: Invitae Variant Classification Sherloc (09022015). Collection method: clinical testing. Allele origin: germline.
Comment: This sequence change replaces asparagine with isoleucine at codon 997 of the NLRP12 protein (p.Asn997Ile). The asparagine residue is weakly conserved and there is a large physicochemical difference between asparagine and isoleucine. This variant is not present in population databases (ExAC no frequency). This variant has not been reported in the literature in individuals with NLRP12-related conditions. Algorithms developed to predict the effect of missense changes on protein structure and function are either unavailable or do not agree on the potential impact of this missense change (SIFT: "Deleterious"; PolyPhen-2: "Not Available"; Align-GVGD: "Class C0"). In summary, the available evidence is currently insufficient to determine the role of this variant in disease. Therefore, it has been classified as a Variant of Uncertain Significance.

NM_144687.4(NLRP12):c.2990A>T (p.Asn997Ile)

Gene: NLRP12 (NLR family pyrin domain containing 12; minus strand). Cytogenetic location: 19q13.42.
Variant type: single nucleotide variant.
Coding change: c.2990A>T on transcript NM_144687.4 (MANE Select); coding-DNA position 2990, A replaced by T.
Protein change: p.Asn997Ile; replaces asparagine 997 with isoleucine.
Molecular consequence: missense variant.
Genome position (GRCh38, 1-based): chr19:53,795,967, T>A on the plus strand (A>T on the coding strand, the complement: NLRP12 is on the minus strand). VCF-style: chr19-53795967-T-A. GRCh37 (hg19) VCF-style: chr19-54299221-T-A.
Other names: c.2993A>T, p.Asn998Ile (NM_001277126.2); c.2819A>T, p.Asn940Ile (NM_001277129.1); short protein forms N940I, N997I, N998I.
Identifiers: ClinVar variation 963700 (VCV000963700.9), dbSNP rs2091750724, ClinGen allele CA407407550.